The following is an entry in ClinVar:

NM_000018.4(ACADVL):c.62+20G>A

Genes: ACADVL (acyl-CoA dehydrogenase very long chain; plus strand), LOC130060113 (ATAC-STARR-seq lymphoblastoid silent region 8088; plus strand). Cytogenetic location: 17p13.1.
Variant type: single nucleotide variant.
Coding change: c.62+20G>A on transcript NM_000018.4 (MANE Select); 20 bases into the intron after coding-DNA position 62, G replaced by A.
Molecular consequence: intron variant. On other transcripts: 5 prime UTR variant (1).
Genome position (GRCh38, 1-based): chr17:7,220,066, G>A. VCF-style: chr17-7220066-G-A. GRCh37 (hg19) VCF-style: chr17-7123385-G-A.
Other names: c.-222G>A (NM_001270448.2); c.132-56G>A (NM_001270447.2); c.62+20G>A (NM_001033859.3).
Identifiers: ClinVar variation 932881 (VCV000932881.10), dbSNP rs369163211, ClinGen allele CA8337528.
Genomic context (GRCh38, chr17:7,220,066, plus strand): 5'-GCGAGCTTGGGGCGGCAGCTGCTGAGGCTCGGGGGCGGAAGGTCTGTGTGTGACAAGAGG[G>A]ACGGTGGGCAGCGGCCCTGGGCACCGGGCCGGCACTGAACCCCCACTCCCCACAGCTCGC-3'

ClinVar aggregate classification (germline): Conflicting classifications of pathogenicity. Review status: criteria provided, conflicting classifications (1 of 4 stars). 2 submissions from 2 submitters: Uncertain significance (1); Likely benign (1). Last evaluated 2026-01-27.

Conditions:
Very long chain acyl-CoA dehydrogenase deficiency (ACADVLD). Also called: Very Long-Chain Acyl-Coenzyme A Dehydrogenase Deficiency; VLCAD Deficiency. Identifiers: Orphanet 26793, MedGen C3887523, MONDO:0008723, OMIM 201475.

Allele frequency attached by ClinVar (database versions not stated): gnomAD exomes below 0.00001 and 0.00001; TOPMed below 0.00001; ExAC 0.00001; gnomAD 0.00001; ESP Exome Variant Server 0.00008.
gnomAD v4.1: 17 of 1,600,606 alleles (0.0011%); highest among the groups gnomAD compares: Non-Finnish European, 0.0014%; no homozygotes.

Submissions (2):

Labcorp Genetics (formerly Invitae), Labcorp
Classification: Likely benign for Very long chain acyl-CoA dehydrogenase deficiency. Last evaluated: 2026-01-27. Review status: criteria provided, single submitter. Criteria: Invitae Variant Classification Sherloc (09022015). Collection method: clinical testing. Allele origin: germline.

Wong Mito Lab, Molecular and Human Genetics, Baylor College of Medicine
Classification: Uncertain significance for Very long chain acyl-CoA dehydrogenase deficiency. Last evaluated: 2019-11-01. Review status: criteria provided, single submitter. Criteria: ACMG Guidelines, 2015. Collection method: clinical testing. Allele origin: germline.
Comment: The NM_000018.3:c.62+20G>A (NP_000009.1:p.?) [GRCH38: NC_000017.11:g.7220066G>A] variant in ACADVL gene is interpretated to be Uncertain Significance based on ACMG guidelines (PMID: 25741868). This variant has been reported. This variant dose not meet any evidence codes reported in the ACMG guidelines.